The following is an entry in ClinVar:

NM_000744.7(CHRNA4):c.140G>A (p.Gly47Asp)

Gene: CHRNA4 (cholinergic receptor nicotinic alpha 4 subunit; minus strand). Cytogenetic location: 20q13.33.
Variant type: single nucleotide variant.
Coding change: c.140G>A on transcript NM_000744.7 (MANE Select); coding-DNA position 140, G replaced by A.
Protein change: p.Gly47Asp; replaces glycine 47 with aspartic acid.
Molecular consequence: missense variant. On other transcripts: 5 prime UTR variant (1), non-coding transcript variant (1).
Genome position (GRCh38, 1-based): chr20:63,359,636, C>T on the plus strand (G>A on the coding strand, the complement: CHRNA4 is on the minus strand). VCF-style: chr20-63359636-C-T. GRCh37 (hg19) VCF-style: chr20-61990988-C-T.
Other names: c.-407G>A (NM_001256573.2); short protein forms G47D.
Identifiers: ClinVar variation 392948 (VCV000392948.2), dbSNP rs764990637, ClinGen allele CA16608414.
Genomic context (GRCh38, chr20:63,359,636, plus strand): 5'-CCGAAGCGGACGAGGACCACGTCCGAGATGTTGGCCACGGGTCGGGACCACTTGTTGTAA[C>T]CGGAGAAGAGTTTCTTCAGGAGCCGCTCCTCGGCGTGGGCCCGGGTCTCCACATGGCTGC-3'
Protein context (NP_000735.1, residues 37-57): EERLLKKLFS[Gly47Asp]YNKWSRPVAN

ClinVar aggregate classification (germline): Uncertain significance (1 of 4 stars; one submission).

Allele frequency attached by ClinVar (database versions not stated): TOPMed below 0.00001 and 0.00001; gnomAD 0.00001.
gnomAD v4.1: 2 of 1,612,524 alleles (0.00012%); highest among the groups gnomAD compares: Non-Finnish European, 0.00017%; no homozygotes.

Submission:

GeneDx
Classification: Uncertain significance. Last evaluated: 2017-01-25. Review status: criteria provided, single submitter. Criteria: GeneDx Variant Classification (06012015). Collection method: clinical testing. Allele origin: germline. Affected: yes.
Comment: The G47D variant in the CHRNA4 gene has not been reported previously as a pathogenic variant, nor as a benign variant, to our knowledge. The G47D variant was not observed in approximately 6500 individuals of European and African American ancestry in the NHLBI Exome Sequencing Project, indicating it is not a common benign variant in these populations. The G47D variant is a non-conservative amino acid substitution, which is likely to impact secondary protein structure as these residues differ in polarity, charge, size and/or other properties. This substitution occurs at a position that is conserved in mammals. In silico analysis is inconsistent in its predictions as to whether or not the variant is damaging to the protein structure/function. We interpret G47D as a variant of uncertain significance, which may be related to the reported seizures and developmental delays in this individual.